The following is an entry in ClinVar:

NM_001395413.1(POR):c.504C>G (p.Phe168Leu)

Gene: POR (cytochrome p450 oxidoreductase; plus strand). Cytogenetic location: 7q11.23.
Variant type: single nucleotide variant.
Coding change: c.504C>G on transcript NM_001395413.1 (MANE Select); coding-DNA position 504, C replaced by G.
Protein change: p.Phe168Leu; replaces phenylalanine 168 with leucine.
Molecular consequence: missense variant.
Genome position (GRCh38, 1-based): chr7:75,980,485, C>G. VCF-style: chr7-75980485-C-G. GRCh37 (hg19) VCF-style: chr7-75609803-C-G.
Other names: c.504C>G, p.Phe168Leu (NM_001367562.3, NM_001382657.2, NM_001382658.3 and 2 more transcripts); c.558C>G, p.Phe186Leu (NM_001382655.3); short protein forms F168L, F186L.
Identifiers: ClinVar variation 572685 (VCV000572685.4), dbSNP rs372715546, ClinGen allele CA367747920.
Genomic context (GRCh38, chr7:75,980,485, plus strand): 5'-TGCCCAGGACTTCTACGACTGGCTGCAGGAGACAGACGTGGATCTCTCTGGGGTCAAGTT[C>G]GCGGTGAGTCACCCAGAGACTGCTATGGGCTCCCGGTGGCCTGCGGTGCCTCCCTGGGGA-3'
Protein context (NP_001382342.1, residues 158-178): ETDVDLSGVK[Phe168Leu]AVFGLGNKTY

ClinVar aggregate classification (germline): Uncertain significance. Review status: criteria provided, single submitter (1 of 4 stars). 2 submissions from 2 submitters: Uncertain significance (1). 1 of the submissions does not count toward it. Last evaluated 2018-09-25.

Conditions:
POR-related disorder. Also called: POR-related condition.
Congenital adrenal hyperplasia due to cytochrome P450 oxidoreductase deficiency. Also called: DISORDERED STEROIDOGENESIS DUE TO POR DEFICIENCY. Identifiers: Orphanet 95699, MedGen C1860042, MONDO:0013310, OMIM 613571.

gnomAD v4.1: 1 of 1,612,862 alleles (0.000062%); highest among the groups gnomAD compares: African/African-American, 0.0013%; no homozygotes.

Submissions (2):

Labcorp Genetics (formerly Invitae), Labcorp
Classification: Uncertain significance for Disordered steroidogenesis due to cytochrome p450 oxidoreductase deficiency. Last evaluated: 2018-09-25. Review status: criteria provided, single submitter. Criteria: Invitae Variant Classification Sherloc (09022015). Collection method: clinical testing. Allele origin: germline.
Comment: This sequence change replaces phenylalanine with leucine at codon 171 of the POR protein (p.Phe171Leu). The phenylalanine residue is moderately conserved and there is a small physicochemical difference between phenylalanine and leucine. This variant is not present in population databases (ExAC no frequency). This variant has not been reported in the literature in individuals with POR-related disease. Algorithms developed to predict the effect of missense changes on protein structure and function are either unavailable or do not agree on the potential impact of this missense change (SIFT: "Deleterious"; PolyPhen-2: "Possibly Damaging"; Align-GVGD: "Class C0"). In summary, the available evidence is currently insufficient to determine the role of this variant in disease. Therefore, it has been classified as a Variant of Uncertain Significance.

PreventionGenetics, part of Exact Sciences
Classification: Uncertain significance for POR-related condition. Last evaluated: 2024-08-13. Review status: no assertion criteria provided. Collection method: clinical testing. Allele origin: germline. Not counted in ClinVar's aggregate classification.
Comment: The POR c.513C>G variant is predicted to result in the amino acid substitution p.Phe171Leu. To our knowledge, this variant has not been reported in the literature. This variant is reported in 0.0065% of alleles in individuals of African descent in gnomAD. Although we suspect that this variant may be pathogenic, at this time, the clinical significance of this variant is uncertain due to the absence of conclusive functional and genetic evidence.